The following is an entry in ClinVar:

ClinVar aggregate classification (germline): Benign. Review status: criteria provided, multiple submitters, no conflicts (2 of 4 stars). 3 submissions from 3 submitters: Benign (2). 1 of the submissions does not count toward it. Last evaluated 2019-12-31.

Conditions:
NOS1-related disorder. Also called: NOS1-related condition.

Allele frequency attached by ClinVar (database versions not stated): gnomAD 0.00817 and 0.00865; gnomAD exomes 0.00186 and 0.00083; ExAC 0.00226; ESP Exome Variant Server 0.00803; 1000 Genomes Project 0.00839; 1000 Genomes Project 30x 0.00874; TOPMed 0.00963.
gnomAD v4.1: 2,506 of 1,614,184 alleles (0.16%); highest among the groups gnomAD compares: African/African-American, 2.7%; 22 homozygotes.

Submissions (3):

Labcorp Genetics (formerly Invitae), Labcorp
Classification: Benign. Last evaluated: 2019-12-31. Review status: criteria provided, single submitter. Criteria: Invitae Variant Classification Sherloc (09022015). Collection method: clinical testing. Allele origin: germline.

Breakthrough Genomics
Classification: Benign. Review status: criteria provided, single submitter. Criteria: ACMG Guidelines, 2015. Collection method: not provided. Allele origin: germline. Inheritance: Unknown mechanism. Affected: yes.

PreventionGenetics, part of Exact Sciences
Classification: Benign for NOS1-related condition. Last evaluated: 2019-07-12. Review status: no assertion criteria provided. Collection method: clinical testing. Allele origin: germline. Not counted in ClinVar's aggregate classification.
Comment: This variant is classified as benign based on ACMG/AMP sequence variant interpretation guidelines (Richards et al. 2015 PMID: 25741868, with internal and published modifications).

NM_000620.5(NOS1):c.1461C>T (p.Tyr487=)

Gene: NOS1 (nitric oxide synthase 1; minus strand). Cytogenetic location: 12q24.22.
Variant type: single nucleotide variant.
Coding change: c.1461C>T on transcript NM_000620.5 (MANE Select); coding-DNA position 1461, C replaced by T.
Protein change: p.Tyr487=; no amino-acid change (tyrosine 487 retained).
Molecular consequence: synonymous variant.
Genome position (GRCh38, 1-based): chr12:117,280,788, G>A on the plus strand (C>T on the coding strand, the complement: NOS1 is on the minus strand). VCF-style: chr12-117280788-G-A. GRCh37 (hg19) VCF-style: chr12-117718593-G-A.
Other names: c.453C>T, p.Tyr151= (NM_001204213.2, NM_001204214.2); c.1461C>T, p.Tyr487= (NM_001204218.2); c.1461C>T (NM_001204218.1).
Identifiers: ClinVar variation 785428 (VCV000785428.7), dbSNP rs9658362, ClinGen allele CA6815139.